The following is an entry in ClinVar:

NM_001371986.1(UNC80):c.3687C>A (p.Arg1229=)

Genes: UNC80 (unc-80 subunit of NALCN channel complex; plus strand), LOC121725110 (Sharpr-MPRA regulatory region 8902; plus strand). Cytogenetic location: 2q34.
Variant type: single nucleotide variant.
Coding change: c.3687C>A on transcript NM_001371986.1 (MANE Select); coding-DNA position 3687, C replaced by A.
Protein change: p.Arg1229=; no amino-acid change (arginine 1229 retained).
Molecular consequence: synonymous variant.
Genome position (GRCh38, 1-based): chr2:209,872,817, C>A. VCF-style: chr2-209872817-C-A. GRCh37 (hg19) VCF-style: chr2-210737541-C-A.
Other names: c.3693C>A, p.Arg1231= (NM_032504.2); c.3678C>A, p.Arg1226= (NM_182587.4).
Identifiers: ClinVar variation 2651856 (VCV002651856.27), dbSNP rs913889073, ClinGen allele CA65035361.

ClinVar aggregate classification (germline): Likely benign. Review status: criteria provided, multiple submitters, no conflicts (2 of 4 stars). 2 submissions from 2 submitters: Likely benign (2). Last evaluated 2025-06-15.

Allele frequency attached by ClinVar (database versions not stated): gnomAD 0.00001; gnomAD exomes 0.00001; TOPMed 0.00003.
gnomAD v4.1: 11 of 1,551,362 alleles (0.00071%); highest among the groups gnomAD compares: Admixed American, 0.0039%; no homozygotes.

Submissions (2):

Labcorp Genetics (formerly Invitae), Labcorp
Classification: Likely benign. Last evaluated: 2025-06-15. Review status: criteria provided, single submitter. Criteria: Invitae Variant Classification Sherloc (09022015). Collection method: clinical testing. Allele origin: germline.

CeGaT Center for Human Genetics Tuebingen
Classification: Likely benign. Last evaluated: 2023-08-01. Review status: criteria provided, single submitter. Criteria: CeGaT Center For Human Genetics Tuebingen Variant Classification Criteria Version 2. Collection method: clinical testing. Allele origin: germline. Affected: yes. Observed: 1 variant allele.
Comment: UNC80: BP4, BP7